The following is an entry in ClinVar:

NM_000257.4(MYH7):c.1121A>C (p.Glu374Ala)

Gene: MYH7 (myosin heavy chain 7; minus strand). Cytogenetic location: 14q11.2.
Variant type: single nucleotide variant.
Coding change: c.1121A>C on transcript NM_000257.4 (MANE Select); coding-DNA position 1121, A replaced by C.
Protein change: p.Glu374Ala; replaces glutamic acid 374 with alanine.
Molecular consequence: missense variant.
Genome position (GRCh38, 1-based): chr14:23,429,792, T>G on the plus strand (A>C on the coding strand, the complement: MYH7 is on the minus strand). VCF-style: chr14-23429792-T-G. GRCh37 (hg19) VCF-style: chr14-23899001-T-G.
Other names: short protein forms E374A.
Identifiers: ClinVar variation 580596 (VCV000580596.8), dbSNP rs1489128381, ClinGen allele CA389051310.
Genomic context (GRCh38, chr14:23,429,792, plus strand): 5'-CTCCATGACTTGACAGCTGCCCCCAAGAATCCCTGCCTCCCACCTTCAGTGCCGTCTGGC[T>G]CCGCCTGCTCCTCCCGCTGCTTCAGCTTGAACTTCATGTTTCCAAAGTGCATGATGGCGC-3'
Protein context (NP_000248.2, residues 364-384): FKLKQREEQA[Glu374Ala]PDGTEEADKS

ClinVar aggregate classification (germline): Uncertain significance (1 of 4 stars; one submission).

Conditions:
Hypertrophic cardiomyopathy. Also called: HYPERTROPHIC MYOCARDIOPATHY. Identifiers: Orphanet 217569, MedGen C0007194, MeSH D002312, MONDO:0005045, HP:0001639.

Submission:

Labcorp Genetics (formerly Invitae), Labcorp
Classification: Uncertain significance for Hypertrophic cardiomyopathy. Last evaluated: 2023-06-15. Review status: criteria provided, single submitter. Criteria: Invitae Variant Classification Sherloc (09022015). Collection method: clinical testing. Allele origin: germline.
Comment: In summary, the available evidence is currently insufficient to determine the role of this variant in disease. Therefore, it has been classified as a Variant of Uncertain Significance. Advanced modeling of protein sequence and biophysical properties (such as structural, functional, and spatial information, amino acid conservation, physicochemical variation, residue mobility, and thermodynamic stability) performed at Invitae indicates that this missense variant is expected to disrupt MYH7 protein function. ClinVar contains an entry for this variant (Variation ID: 580596). This variant is not present in population databases (gnomAD no frequency). This variant has not been reported in the literature in individuals affected with MYH7-related conditions. This sequence change replaces glutamic acid, which is acidic and polar, with alanine, which is neutral and non-polar, at codon 374 of the MYH7 protein (p.Glu374Ala).